The following is an entry in ClinVar:

NM_003072.5(SMARCA4):c.1959G>A (p.Pro653=)

Gene: SMARCA4 (SWI/SNF related BAF chromatin remodeling complex subunit ATPase 4; plus strand). Cytogenetic location: 19p13.2.
Variant type: single nucleotide variant.
Coding change: c.1959G>A on transcript NM_003072.5 (MANE Select); coding-DNA position 1959, G replaced by A.
Protein change: p.Pro653=; no amino-acid change (proline 653 retained).
Molecular consequence: synonymous variant. On other transcripts: non-coding transcript variant (1).
Genome position (GRCh38, 1-based): chr19:11,003,355, G>A. VCF-style: chr19-11003355-G-A. GRCh37 (hg19) VCF-style: chr19-11114031-G-A.
Other names: c.1959G>A, p.Pro653= (NM_001128844.3, NM_001128845.2, NM_001128846.2 and 5 more transcripts).
Identifiers: ClinVar variation 484867 (VCV000484867.20), dbSNP rs757029847, ClinGen allele CA9203959.

ClinVar aggregate classification (germline): Benign/Likely benign. Review status: criteria provided, multiple submitters, no conflicts (2 of 4 stars). 6 submissions from 6 submitters: Benign (2); Likely benign (4). Last evaluated 2026-07-10.

Conditions:
Rhabdoid tumor predisposition syndrome 2 (RTPS2). Identifiers: Orphanet 231108, Orphanet 69077, MedGen C2750074, MONDO:0013224, OMIM 613325.
SMARCA4-related disorder. Also called: SMARCA4-related condition.
Hereditary cancer-predisposing syndrome. Also called: Tumor predisposition; Neoplastic Syndromes, Hereditary; Hereditary Cancer Syndrome; Hereditary neoplastic syndrome. Identifiers: Orphanet 140162, MedGen C0027672, MeSH D009386, MONDO:0015356.

Allele frequency attached by ClinVar (database versions not stated): gnomAD exomes 0.00001; TOPMed 0.00003.
gnomAD v4.1: 24 of 1,613,944 alleles (0.0015%); highest among the groups gnomAD compares: Admixed American, 0.03%; no homozygotes.

Submissions (6):

Myriad Genetics, Inc.
Classification: Benign for Rhabdoid tumor predisposition syndrome 2. Last evaluated: 2026-07-10. Review status: criteria provided, single submitter. Criteria: Myriad Autosomal Dominant, Autosomal Recessive and X-Linked Classification Criteria (2023). Collection method: clinical testing. Allele origin: unknown.
Comment: This variant is considered benign. This variant is a silent/synonymous amino acid change and it is not expected to impact splicing.

Labcorp Genetics (formerly Invitae), Labcorp
Classification: Likely benign for Rhabdoid tumor predisposition syndrome 2. Last evaluated: 2025-11-30. Review status: criteria provided, single submitter. Criteria: Invitae Variant Classification Sherloc (09022015). Collection method: clinical testing. Allele origin: germline.

PreventionGenetics, part of Exact Sciences
Classification: Likely benign for SMARCA4-related condition. Last evaluated: 2025-10-16. Review status: criteria provided, single submitter. Criteria: ACMG Guidelines, 2015. Collection method: clinical testing. Allele origin: germline.
Comment: This variant is classified as likely benign based on ACMG/AMP sequence variant interpretation guidelines (Richards et al. 2015 PMID: 25741868, with internal and published modifications).

Blueprint Genetics
Classification: Likely benign. Last evaluated: 2024-05-30. Review status: criteria provided, single submitter. Criteria: ACMG Guidelines, 2015. Collection method: clinical testing. Allele origin: germline.

Sema4
Classification: Benign for Hereditary cancer-predisposing syndrome. Last evaluated: 2020-12-25. Review status: criteria provided, single submitter. Criteria: Sema4 Curation Guidelines. Collection method: curation. Allele origin: germline.

Ambry Genetics
Classification: Likely benign for Hereditary cancer-predisposing syndrome. Last evaluated: 2015-12-16. Review status: criteria provided, single submitter. Criteria: Ambry Variant Classification Scheme 2023. Collection method: clinical testing. Allele origin: germline.